The following is an entry in ClinVar:

ClinVar aggregate classification (germline): Uncertain significance. Review status: criteria provided, multiple submitters, no conflicts (2 of 4 stars). 3 submissions from 3 submitters: Uncertain significance (3). Last evaluated 2025-12-04.

Conditions:
Fanconi anemia (FA). Also called: Fanconi's anemia. Identifiers: Orphanet 84, MedGen C0015625, MeSH D005199, MONDO:0019391.

Allele frequency attached by ClinVar (database versions not stated): gnomAD exomes below 0.00001 and 0.00002; ExAC 0.00001; gnomAD 0.00003; TOPMed 0.00003; ESP Exome Variant Server 0.00008.
gnomAD v4.1: 29 of 1,598,010 alleles (0.0018%); highest among the groups gnomAD compares: Middle Eastern, 0.017%; no homozygotes.

Submissions (3):

Labcorp Genetics (formerly Invitae), Labcorp
Classification: Uncertain significance for Fanconi anemia. Last evaluated: 2025-12-04. Review status: criteria provided, single submitter. Criteria: Invitae Variant Classification Sherloc (09022015). Collection method: clinical testing. Allele origin: germline.
Comment: This sequence change replaces asparagine, which is neutral and polar, with aspartic acid, which is acidic and polar, at codon 1536 of the FANCM protein (p.Asn1536Asp). This variant is present in population databases (rs375640203, gnomAD 0.003%). This variant has not been reported in the literature in individuals affected with FANCM-related conditions. ClinVar contains an entry for this variant (Variation ID: 1388766). An algorithm developed to predict the effect of missense changes on protein structure and function (PolyPhen-2) suggests that this variant is likely to be tolerated. In summary, the available evidence is currently insufficient to determine the role of this variant in disease. Therefore, it has been classified as a Variant of Uncertain Significance.

GeneDx
Classification: Uncertain significance. Last evaluated: 2024-05-09. Review status: criteria provided, single submitter. Criteria: GeneDx Variant Classification Process June 2021. Collection method: clinical testing. Allele origin: germline. Affected: yes.
Comment: Not observed at significant frequency in large population cohorts (gnomAD); In silico analysis indicates that this missense variant does not alter protein structure/function; Observed in an individual with leukemia (PMID: 30102335); This variant is associated with the following publications: (PMID: 28881617, 30102335)

Quest Diagnostics Nichols Institute San Juan Capistrano
Classification: Uncertain significance. Last evaluated: 2023-12-20. Review status: criteria provided, single submitter. Criteria: Quest Diagnostics criteria. Collection method: clinical testing. Allele origin: unknown.
Comment: The FANCM c.4606A>G (p.Asn1536Asp) variant has been reported in the published literature in individuals with breast cancer (PMID: 33471991 (2021)) and an unspecified hereditary cancer (PMID: 32235514 (2020)). The frequency of this variant in the general population, 0.0000072 (2/278598 chromosomes (Genome Aggregation Database)), is uninformative in the assessment of its pathogenicity. Analysis of this variant using bioinformatics tools for the prediction of the effect of amino acid changes on protein structure and function yielded conflicting predictions that this variant is benign or damaging. Based on the available information, we are unable to determine the clinical significance of this variant.

Literature cited by the submitters: PubMed 33471991 (cited by Quest Diagnostics Nichols Institute San Juan Capistrano); PubMed 32235514 (cited by Quest Diagnostics Nichols Institute San Juan Capistrano).

NM_020937.4(FANCM):c.4606A>G (p.Asn1536Asp)

Gene: FANCM (FA complementation group M; plus strand). Cytogenetic location: 14q21.2.
Variant type: single nucleotide variant.
Coding change: c.4606A>G on transcript NM_020937.4 (MANE Select); coding-DNA position 4606, A replaced by G.
Protein change: p.Asn1536Asp; replaces asparagine 1536 with aspartic acid.
Molecular consequence: missense variant.
Genome position (GRCh38, 1-based): chr14:45,185,307, A>G. VCF-style: chr14-45185307-A-G. GRCh37 (hg19) VCF-style: chr14-45654510-A-G.
Other names: c.4606A>G (LRG_502t1, NM_020937.3); c.4528A>G, p.Asn1510Asp (NM_001308133.2); short protein forms N1536D, N1510D.
Identifiers: ClinVar variation 1388766 (VCV001388766.11), dbSNP rs375640203, ClinGen allele CA7169803.